The following is an entry in ClinVar:

ClinVar aggregate classification (germline): Uncertain significance (1 of 4 stars; one submission).

Submission:

CeGaT Center for Human Genetics Tuebingen
Classification: Uncertain significance. Last evaluated: 2025-04-01. Review status: criteria provided, single submitter. Criteria: CeGaT Center For Human Genetics Tuebingen Variant Classification Criteria Version 2. Collection method: clinical testing. Allele origin: germline. Affected: yes. Observed: 1 variant allele.
Comment: KMT2C: PM2:Supporting, PM4:Supporting

NM_170606.3(KMT2C):c.9GGA[2] (p.Glu5del)

Genes: KMT2C (lysine methyltransferase 2C; minus strand), LOC129999681 (ATAC-STARR-seq lymphoblastoid silent region 18830; plus strand). Cytogenetic location: 7q36.1.
Variant type: Microsatellite.
Coding change: c.9GGA[2] on transcript NM_170606.3 (MANE Select); two copies in a row of the 3-base unit GGA starting at c.9; the reference has three copies in a row; one copy, 3 bases deleted.
Protein change: p.Glu5del; deletes glutamic acid 5.
Molecular consequence: inframe deletion.
Genome position (GRCh38, 1-based): chr7:152,435,770-152,435,772, TCC deleted on the plus strand (GGA on the coding strand, the reverse complement: KMT2C is on the minus strand); deleting any 3 consecutive bases within chr7:152,435,770-152,435,778 gives the same sequence; the position shown is the placement nearest the transcript's 3' end. VCF-style (leftmost placement, unchanged base first): chr7-152435769-GTCC-G. GRCh37 (hg19) VCF-style: chr7-152132854-GTCC-G.
Other names: short protein forms E5del.
Identifiers: ClinVar variation 3898613 (VCV003898613.7).